The following is an entry in ClinVar:

NM_000179.3(MSH6):c.315del (p.Trp105fs)

Gene: MSH6 (mutS homolog 6; plus strand). Cytogenetic location: 2p16.3.
Variant type: Deletion.
Coding change: c.315del on transcript NM_000179.3 (MANE Select); coding-DNA position 315, one base deleted (G; older notation c.315delG).
Protein change: p.Trp105fs; shifts the reading frame from tryptophan 105.
Molecular consequence: frameshift variant. On other transcripts: 5 prime UTR variant (2), intron variant (1).
Genome position (GRCh38, 1-based): chr2:47,790,981, G deleted; the last of 2 consecutive G bases (chr2:47,790,980-47,790,981); deleting either gives the same sequence. VCF-style (leftmost placement, unchanged base first): chr2-47790979-TG-T. GRCh37 (hg19) VCF-style: chr2-48018118-TG-T.
Other names: c.18delG, p.Trp6Cysfs (NM_001406801.1, NM_001406805.1, NM_001406818.1 and 10 more transcripts); c.411delG, p.Trp137Cysfs (NM_001406802.1, NM_001406795.1); c.315delG, p.Trp105Cysfs (NM_001406803.1, NM_001406808.1, NM_001406809.1 and 6 more transcripts); c.237delG, p.Trp79Cysfs (NM_001406804.1); c.-614delG (NM_001406807.1); c.-422delG (NM_001406811.1, NM_001406823.1, NM_001406829.1); c.-680delG (NM_001406814.1); c.-422del (NM_001281493.2); and 3 more; short protein forms W105fs.
Identifiers: ClinVar variation 1728282 (VCV001728282.2), dbSNP rs2530433535, ClinGen allele CA2580066819.

ClinVar aggregate classification (germline): Pathogenic (1 of 4 stars; one submission).

Conditions:
Hereditary cancer-predisposing syndrome. Also called: Tumor predisposition; Neoplastic Syndromes, Hereditary; Hereditary Cancer Syndrome; Hereditary neoplastic syndrome. Identifiers: Orphanet 140162, MedGen C0027672, MeSH D009386, MONDO:0015356.

Submission:

Ambry Genetics
Classification: Pathogenic for Hereditary cancer-predisposing syndrome. Last evaluated: 2020-05-08. Review status: criteria provided, single submitter. Criteria: Ambry Variant Classification Scheme 2023. Collection method: clinical testing. Allele origin: germline.
Comment: The c.315delG pathogenic mutation, located in coding exon 2 of the MSH6 gene, results from a deletion of one nucleotide at nucleotide position 315, causing a translational frameshift with a predicted alternate stop codon (p.W105Cfs*44). This alteration is expected to result in loss of function by premature protein truncation or nonsense-mediated mRNA decay. As such, this alteration is interpreted as a disease-causing mutation.